The following is an entry in ClinVar:

NM_022132.5(MCCC2):c.815_816insG (p.Ser273fs)

Gene: MCCC2 (methylcrotonyl-CoA carboxylase subunit 2; plus strand). Cytogenetic location: 5q13.2.
Variant type: Insertion.
Coding change: c.815_816insG on transcript NM_022132.5 (MANE Select); coding-DNA positions 815 to 816, G inserted.
Protein change: p.Ser273fs; shifts the reading frame from serine 273.
Molecular consequence: frameshift variant.
Genome position: GRCh38 VCF-style: chr5-71634954-T-TG. GRCh37 (hg19) VCF-style: chr5-70930781-T-TG.
Other names: c.701_702insG, p.Ser235fs (NM_001363147.1); short protein forms S235fs, S273fs.
Identifiers: ClinVar variation 5014459 (VCV005014459.1).

ClinVar aggregate classification (germline): Pathogenic (1 of 4 stars; one submission).

Conditions:
3-methylcrotonyl-CoA carboxylase 2 deficiency. Also called: METHYLCROTONYLGLYCINURIA, TYPE II; 3 alpha methylcrotonyl-CoA carboxylase 2 deficiency; 3 alpha methylcrotonylglycinuria 2; MCC 2 deficiency; Methylcrotonylglycinuria type 2. Identifiers: Orphanet 6, MedGen C1859499, MONDO:0008862, OMIM 210210.

Submission:

Myriad Genetics, Inc.
Classification: Pathogenic for 3-methylcrotonyl-CoA carboxylase 2 deficiency. Last evaluated: 2025-05-17. Review status: criteria provided, single submitter. Criteria: Myriad Autosomal Dominant, Autosomal Recessive and X-Linked Classification Criteria (2023). Collection method: clinical testing. Allele origin: unknown.
Comment: NM_022132.4(MCCC2):c.815_816insG(S273Kfs*2) is expected to be pathogenic in the context of 3-methylcrotonyl-CoA carboxylase deficiency, MCCC2-related. This variant is predicted to lead to an abnormal or absent protein product due to the creation of a premature termination codon in MCCC2, a gene where loss-of-function variants are known to be pathogenic. Please note: this variant was assessed in the context of healthy population screening.